The following is an entry in ClinVar:

NM_000264.5(PTCH1):c.3442A>C (p.Ile1148Leu)

Gene: PTCH1 (patched 1; minus strand). Cytogenetic location: 9q22.32.
Variant type: single nucleotide variant.
Coding change: c.3442A>C on transcript NM_000264.5 (MANE Select); coding-DNA position 3442, A replaced by C.
Protein change: p.Ile1148Leu; replaces isoleucine 1148 with leucine.
Molecular consequence: missense variant. On other transcripts: non-coding transcript variant (1).
Genome position (GRCh38, 1-based): chr9:95,453,485, T>G on the plus strand (A>C on the coding strand, the complement: PTCH1 is on the minus strand). VCF-style: chr9-95453485-T-G. GRCh37 (hg19) VCF-style: chr9-98215767-T-G.
Other names: c.3244A>C, p.Ile1082Leu (NM_001083602.3); c.3439A>C, p.Ile1147Leu (NM_001083603.3); c.2989A>C, p.Ile997Leu (NM_001083604.3, NM_001083605.3, NM_001083606.3 and 1 more transcripts); c.3286A>C, p.Ile1096Leu (NM_001354918.2); short protein forms I1082L, I1096L, I1147L, I1148L, I997L.
Identifiers: ClinVar variation 3231014 (VCV003231014.1), dbSNP rs369265532, ClinGen allele CA374111661.

ClinVar aggregate classification (germline): Uncertain significance (1 of 4 stars; one submission).

Conditions:
Hereditary cancer-predisposing syndrome. Also called: Neoplastic Syndromes, Hereditary; Tumor predisposition; Hereditary neoplastic syndrome; Hereditary Cancer Syndrome. Identifiers: Orphanet 140162, MedGen C0027672, MeSH D009386, MONDO:0015356.

Submission:

Ambry Genetics
Classification: Uncertain significance for Hereditary cancer-predisposing syndrome. Last evaluated: 2024-03-08. Review status: criteria provided, single submitter. Criteria: Ambry Variant Classification Scheme 2023. Collection method: clinical testing. Allele origin: germline.
Comment: The p.I1148L variant (also known as c.3442A>C), located in coding exon 20 of the PTCH1 gene, results from an A to C substitution at nucleotide position 3442. The isoleucine at codon 1148 is replaced by leucine, an amino acid with highly similar properties. This amino acid position is conserved. In addition, the in silico prediction for this alteration is inconclusive. Based on the available evidence, the clinical significance of this alteration remains unclear.